The following is an entry in ClinVar:

ClinVar aggregate classification (germline): Conflicting classifications of pathogenicity. Review status: criteria provided, conflicting classifications (1 of 4 stars). 2 submissions from 2 submitters: Likely pathogenic (1); Uncertain significance (1). Last evaluated 2026-01-12.

Allele frequency attached by ClinVar (database versions not stated): gnomAD 0.00001; TOPMed 0.00001; gnomAD exomes 0.00002.
gnomAD v4.1: 5 of 1,613,884 alleles (0.00031%); highest among the groups gnomAD compares: Admixed American, 0.0067%; no homozygotes.

Submissions (2):

Labcorp Genetics (formerly Invitae), Labcorp
Classification: Likely pathogenic. Last evaluated: 2026-01-12. Review status: criteria provided, single submitter. Criteria: Invitae Variant Classification Sherloc (09022015). Collection method: clinical testing. Allele origin: germline.
Comment: This sequence change replaces alanine, which is neutral and non-polar, with proline, which is neutral and non-polar, at codon 238 of the ECHS1 protein (p.Ala238Pro). This variant is present in population databases (rs142639185, gnomAD 0.01%). This missense change has been observed in individual(s) with ECHS1-related conditions (PMID: 35094435). This variant is also known as 135179507:G:C. ClinVar contains an entry for this variant (Variation ID: 1488259). Invitae Evidence Modeling of protein sequence and biophysical properties (such as structural, functional, and spatial information, amino acid conservation, physicochemical variation, residue mobility, and thermodynamic stability) has been performed for this missense variant. However, the output from this modeling did not meet the statistical confidence thresholds required to predict the impact of this variant on ECHS1 protein function. This variant disrupts the p.Ala238 amino acid residue in ECHS1. Other variant(s) that disrupt this residue have been determined to be pathogenic (PMID: 26099313, 30029642, 32020600, 32642440). This suggests that this residue is clinically significant, and that variants that disrupt this residue are likely to be disease-causing. In summary, the currently available evidence indicates that the variant is pathogenic, but additional data are needed to prove that conclusively. Therefore, this variant has been classified as Likely Pathogenic.

GeneDx
Classification: Uncertain significance. Last evaluated: 2022-10-29. Review status: criteria provided, single submitter. Criteria: GeneDx Variant Classification Process June 2021. Collection method: clinical testing. Allele origin: germline. Affected: yes.
Comment: Not observed at significant frequency in large population cohorts (gnomAD); In silico analysis supports that this missense variant has a deleterious effect on protein structure/function; Has not been previously published as pathogenic or benign to our knowledge

Literature cited by the submitters: PubMed 35094435 (cited by Labcorp Genetics (formerly Invitae), Labcorp); PubMed 26099313 (cited by Labcorp Genetics (formerly Invitae), Labcorp); PubMed 30029642 (cited by Labcorp Genetics (formerly Invitae), Labcorp); PubMed 32020600 (cited by Labcorp Genetics (formerly Invitae), Labcorp); PubMed 32642440 (cited by Labcorp Genetics (formerly Invitae), Labcorp).

NM_004092.4(ECHS1):c.712G>C (p.Ala238Pro)

Gene: ECHS1 (enoyl-CoA hydratase, short chain 1; minus strand). Cytogenetic location: 10q26.3.
Variant type: single nucleotide variant.
Coding change: c.712G>C on transcript NM_004092.4 (MANE Select); coding-DNA position 712, G replaced by C.
Protein change: p.Ala238Pro; replaces alanine 238 with proline.
Molecular consequence: missense variant.
Genome position (GRCh38, 1-based): chr10:133,366,003, C>G on the plus strand (G>C on the coding strand, the complement: ECHS1 is on the minus strand). VCF-style: chr10-133366003-C-G. GRCh37 (hg19) VCF-style: chr10-135179507-C-G.
Other names: c.712G>C (NM_004092.3); short protein forms A238P.
Identifiers: ClinVar variation 1488259 (VCV001488259.7), dbSNP rs142639185, ClinGen allele CA5765679.